The following is an entry in ClinVar:

NM_021939.4(FKBP10):c.727+6G>T

Gene: FKBP10 (FKBP prolyl isomerase 10; plus strand). Cytogenetic location: 17q21.2.
Variant type: single nucleotide variant.
Coding change: c.727+6G>T on transcript NM_021939.4 (MANE Select); 6 bases into the intron after coding-DNA position 727, G replaced by T.
Molecular consequence: intron variant.
Genome position (GRCh38, 1-based): chr17:41,818,533, G>T. VCF-style: chr17-41818533-G-T. GRCh37 (hg19) VCF-style: chr17-39974785-G-T.
Identifiers: ClinVar variation 2002687 (VCV002002687.1), dbSNP rs782374611, ClinGen allele CA772065110.

ClinVar aggregate classification (germline): Uncertain significance (1 of 4 stars; one submission).

Allele frequency attached by ClinVar (database versions not stated): gnomAD 0.00001; TOPMed 0.00001.
gnomAD v4.1: 8 of 1,613,970 alleles (0.0005%); highest among the groups gnomAD compares: Non-Finnish European, 0.00059%; no homozygotes.

Submission:

Labcorp Genetics (formerly Invitae), Labcorp
Classification: Uncertain significance. Last evaluated: 2022-06-17. Review status: criteria provided, single submitter. Criteria: Invitae Variant Classification Sherloc (09022015). Collection method: clinical testing. Allele origin: germline.
Comment: This sequence change falls in intron 4 of the FKBP10 gene. It does not directly change the encoded amino acid sequence of the FKBP10 protein. It affects a nucleotide within the consensus splice site. This variant is not present in population databases (gnomAD no frequency). This variant has not been reported in the literature in individuals affected with FKBP10-related conditions. Variants that disrupt the consensus splice site are a relatively common cause of aberrant splicing (PMID: 17576681, 9536098). Algorithms developed to predict the effect of sequence changes on RNA splicing suggest that this variant is not likely to affect RNA splicing. In summary, the available evidence is currently insufficient to determine the role of this variant in disease. Therefore, it has been classified as a Variant of Uncertain Significance.

Literature cited by the submitters: PubMed 17576681; PubMed 9536098.